The following is an entry in ClinVar:

ClinVar aggregate classification (germline): Pathogenic (1 of 4 stars; one submission).

Conditions:
Primary hyperoxaluria, type I (HP1). Also called: OXALOSIS I; Primary hyperoxaluria type 1; GLYCOLIC ACIDURIA; HEPATIC AGT DEFICIENCY. Identifiers: Orphanet 416, Orphanet 93598, MedGen C0268164, MONDO:0009823, OMIM 259900. Disease mechanism: loss of function.

Submission:

Clinical Biochemistry Laboratory, Health Services Laboratory
Classification: Pathogenic for Primary hyperoxaluria, type I. Last evaluated: 2023-10-27. Review status: criteria provided, single submitter. Criteria: ACMG Guidelines, 2015. Collection method: curation. Allele origin: germline. Affected: yes.
Comment: ACMG:PM2 PP2 PP3

Literature cited by the submitters: PubMed 36185032.

NM_000030.3(AGXT):c.593A>C (p.Gln198Pro)

Gene: AGXT (alanine--glyoxylate aminotransferase; plus strand). Cytogenetic location: 2q37.3.
Variant type: single nucleotide variant.
Coding change: c.593A>C on transcript NM_000030.3 (MANE Select); coding-DNA position 593, A replaced by C.
Protein change: p.Gln198Pro; replaces glutamine 198 with proline.
Molecular consequence: missense variant.
Genome position (GRCh38, 1-based): chr2:240,873,047, A>C. VCF-style: chr2-240873047-A-C. GRCh37 (hg19) VCF-style: chr2-241812464-A-C.
Other names: short protein forms Q198P.
Identifiers: ClinVar variation 2681173 (VCV002681173.1), dbSNP rs2528749940, ClinGen allele CA351316624.